The following is an entry in ClinVar:

ClinVar aggregate classification (germline): Uncertain significance (1 of 4 stars; one submission).

gnomAD v4.1: 5 of 1,565,212 alleles (0.00032%); highest among the groups gnomAD compares: Non-Finnish European, 0.00035%; no homozygotes.

Submission:

Labcorp Genetics (formerly Invitae), Labcorp
Classification: Uncertain significance. Last evaluated: 2025-05-28. Review status: criteria provided, single submitter. Criteria: Invitae Variant Classification Sherloc (09022015). Collection method: clinical testing. Allele origin: germline.
Comment: This sequence change replaces proline, which is neutral and non-polar, with serine, which is neutral and polar, at codon 432 of the COL9A2 protein (p.Pro432Ser). This variant is not present in population databases (gnomAD no frequency). This variant has not been reported in the literature in individuals affected with COL9A2-related conditions. ClinVar contains an entry for this variant (Variation ID: 1406885). Invitae Evidence Modeling of protein sequence and biophysical properties (such as structural, functional, and spatial information, amino acid conservation, physicochemical variation, residue mobility, and thermodynamic stability) indicates that this missense variant is not expected to disrupt COL9A2 protein function with a negative predictive value of 95%. In summary, the available evidence is currently insufficient to determine the role of this variant in disease. Therefore, it has been classified as a Variant of Uncertain Significance.

NM_001852.4(COL9A2):c.1294C>T (p.Pro432Ser)

Gene: COL9A2 (collagen type IX alpha 2 chain; minus strand). Cytogenetic location: 1p34.2.
Variant type: single nucleotide variant.
Coding change: c.1294C>T on transcript NM_001852.4 (MANE Select); coding-DNA position 1294, C replaced by T.
Protein change: p.Pro432Ser; replaces proline 432 with serine.
Molecular consequence: missense variant.
Genome position (GRCh38, 1-based): chr1:40,304,093, G>A on the plus strand (C>T on the coding strand, the complement: COL9A2 is on the minus strand). VCF-style: chr1-40304093-G-A. GRCh37 (hg19) VCF-style: chr1-40769765-G-A.
Other names: short protein forms P432S.
Identifiers: ClinVar variation 1406885 (VCV001406885.9), dbSNP rs964741704, ClinGen allele CA339880567.